The following is an entry in ClinVar:

ClinVar aggregate classification (germline): Uncertain significance (1 of 4 stars; one submission).

Conditions:
Muscular dystrophy-dystroglycanopathy (congenital with brain and eye anomalies), type a, 12 (MDDGA12). Also called: WALKER-WARBURG SYNDROME OR MUSCLE-EYE-BRAIN DISEASE, POMK-RELATED. Identifiers: Orphanet 899, MedGen C3808964, MONDO:0014101, OMIM 615249.
Limb-girdle muscular dystrophy due to POMK deficiency. Also called: MUSCULAR DYSTROPHY-DYSTROGLYCANOPATHY, LIMB-GIRDLE, POMK-RELATED; Muscular dystrophy-dystroglycanopathy (limb-girdle), type c, 12. Identifiers: Orphanet 445110, MedGen C4015184, MONDO:0014489, OMIM 616094.

Submission:

Labcorp Genetics (formerly Invitae), Labcorp
Classification: Uncertain significance for Muscular dystrophy-dystroglycanopathy (congenital with brain and eye anomalies), type a, 12; Muscular dystrophy-dystroglycanopathy (limb-girdle), type c, 12. Last evaluated: 2019-09-13. Review status: criteria provided, single submitter. Criteria: Invitae Variant Classification Sherloc (09022015). Collection method: clinical testing. Allele origin: germline.
Comment: This variant results in a copy number gain of the genomic region encompassing the full coding sequence of the POMK gene. The boundaries of this event are unknown as they extend beyond the assayed region for this gene and therefore may encompass additional genes. As the precise location of this event is unknown, it may be in tandem or it may be located elsewhere in the genome. This variant has not been reported in the literature in individuals with POMK-related disease. Experimental studies are not available for this variant, and the functional significance of additional copies of this gene is currently unknown. In summary, the available evidence is currently insufficient to determine the role of this variant in disease. Therefore, it has been classified as a Variant of Uncertain Significance.

NC_000008.10:g.(?_42693095)_(42978030_?)dup

Genes: FNTA (farnesyltransferase, CAAX box, subunit alpha; plus strand), HOOK3 (hook microtubule tethering protein 3; plus strand), MIR4469 (microRNA 4469; minus strand), POMK (protein O-mannose kinase; plus strand), RNF170 (ring finger protein 170; minus strand) and 8 more. Cytogenetic location: 8p11.21.
Variant type: Duplication.
Identifiers: ClinVar variation 653514 (VCV000653514.2).